The following is an entry in ClinVar:

ClinVar aggregate classification (germline): Uncertain significance (1 of 4 stars; one submission).

Submission:

Labcorp Genetics (formerly Invitae), Labcorp
Classification: Uncertain significance. Last evaluated: 2023-12-18. Review status: criteria provided, single submitter. Criteria: Invitae Variant Classification Sherloc (09022015). Collection method: clinical testing. Allele origin: germline.
Comment: This variant results in a copy number gain of the genomic region encompassing exon(s) 22-30 of the ITGAM gene. This region includes the termination codon of the gene. This copy number gain extends beyond the assayed region for this gene and therefore may encompass additional genes. As the precise location of this event is unknown, it may be in tandem or it may be located elsewhere in the genome. This variant has not been reported in the literature in individuals affected with ITGAM-related conditions. In summary, the available evidence is currently insufficient to determine the role of this variant in disease. Therefore, it has been classified as a Variant of Uncertain Significance.

NC_000016.9:g.(?_31338157)_(31343028_?)dup

Gene: ITGAM (integrin subunit alpha M; plus strand). Cytogenetic location: 16p11.2.
Variant type: Duplication.
Identifiers: ClinVar variation 2423337 (VCV002423337.4).